The following is an entry in ClinVar:

NM_006440.5(TXNRD2):c.1077_1078insCATTG (p.Val360fs)

Gene: TXNRD2 (thioredoxin reductase 2; minus strand). Cytogenetic location: 22q11.21.
Variant type: Insertion.
Coding change: c.1077_1078insCATTG on transcript NM_006440.5 (MANE Select); coding-DNA positions 1077 to 1078, CATTG inserted.
Protein change: p.Val360fs; shifts the reading frame from valine 360.
Molecular consequence: frameshift variant. On other transcripts: non-coding transcript variant (1).
Genome position: GRCh38 VCF-style: chr22-19883333-C-CCAATG. GRCh37 (hg19) VCF-style: chr22-19870856-C-CCAATG.
Other names: c.1074_1075insCATTG, p.Val359fs (NM_001352300.2); c.987_988insCATTG, p.Val330fs (NM_001352301.2); c.789_790insCATTG, p.Val264fs (NM_001352302.2); short protein forms V264fs, V360fs, V330fs, V359fs.
Identifiers: ClinVar variation 1785003 (VCV001785003.2), dbSNP rs2517282619, ClinGen allele CA2580099099.
Genomic context (GRCh38, chr22:19,883,333, plus strand): 5'-GGTGGTGGAGCAGGCAGGGGCAGGGGCCCTGGTCCCGGGACGCATGCCGTACCTCCACCA[C>CCAATG]GTCACCAATGGCGTAGATGTGGGGCACAGAGGTGGCTTCCCGGGAGTCCACCAGGATCTT-3'

ClinVar aggregate classification (germline): Uncertain significance (1 of 4 stars; one submission).

Conditions:
Cardiovascular phenotype. Identifiers: MedGen CN230736.

Allele frequency attached by ClinVar (database versions not stated): gnomAD exomes below 0.00001.

Submission:

Ambry Genetics
Classification: Uncertain significance for Cardiovascular phenotype. Last evaluated: 2018-10-02. Review status: criteria provided, single submitter. Criteria: Ambry Variant Classification Scheme 2023. Collection method: clinical testing. Allele origin: germline.
Comment: The c.1077_1078insCATTG variant, located in coding exon 12 of the TXNRD2 gene, results from an insertion of 5 nucleotides at position 1077, causing a translational frameshift with a predicted alternate stop codon (p.V360Hfs*10). This alteration is expected to result in loss of function by premature protein truncation or nonsense-mediated mRNA decay. However, loss of function of TXNRD2 has not been clearly established as a mechanism of disease. Since supporting evidence is limited at this time, the clinical significance of this alteration remains unclear.